The following is an entry in ClinVar:

ClinVar aggregate classification (germline): Uncertain significance (1 of 4 stars; one submission).

Conditions:
Charcot-Marie-Tooth disease type 4. Also called: Charcot-Marie-Tooth, Type 4; Charcot-Marie-Tooth disease, type IV. Identifiers: Orphanet 64749, MedGen C4082197, MONDO:0018995.

gnomAD v4.1: 1 of 1,614,122 alleles (0.000062%); highest among the groups gnomAD compares: South Asian, 0.0011%; no homozygotes.

Submission:

Labcorp Genetics (formerly Invitae), Labcorp
Classification: Uncertain significance for Charcot-Marie-Tooth disease type 4. Last evaluated: 2024-07-09. Review status: criteria provided, single submitter. Criteria: Invitae Variant Classification Sherloc (09022015). Collection method: clinical testing. Allele origin: germline.
Comment: This sequence change replaces alanine, which is neutral and non-polar, with aspartic acid, which is acidic and polar, at codon 880 of the SH3TC2 protein (p.Ala880Asp). This variant is not present in population databases (gnomAD no frequency). This variant has not been reported in the literature in individuals affected with SH3TC2-related conditions. Advanced modeling of protein sequence and biophysical properties (such as structural, functional, and spatial information, amino acid conservation, physicochemical variation, residue mobility, and thermodynamic stability) has been performed at Invitae for this missense variant, however the output from this modeling did not meet the statistical confidence thresholds required to predict the impact of this variant on SH3TC2 protein function. In summary, the available evidence is currently insufficient to determine the role of this variant in disease. Therefore, it has been classified as a Variant of Uncertain Significance.

NM_024577.4(SH3TC2):c.2639C>A (p.Ala880Asp)

Gene: SH3TC2 (SH3 domain and tetratricopeptide repeats 2; minus strand). Cytogenetic location: 5q32.
Variant type: single nucleotide variant.
Coding change: c.2639C>A on transcript NM_024577.4 (MANE Select); coding-DNA position 2639, C replaced by A.
Protein change: p.Ala880Asp; replaces alanine 880 with aspartic acid.
Molecular consequence: missense variant.
Genome position (GRCh38, 1-based): chr5:149,027,093, G>T on the plus strand (C>A on the coding strand, the complement: SH3TC2 is on the minus strand). VCF-style: chr5-149027093-G-T. GRCh37 (hg19) VCF-style: chr5-148406656-G-T.
Other names: short protein forms A880D.
Identifiers: ClinVar variation 3659090 (VCV003659090.2).